The following is an entry in ClinVar:

ClinVar aggregate classification (germline): Benign (0 of 4 stars; one submission).

Conditions:
PLXND1-related disorder. Also called: PLXND1-related condition.

Allele frequency attached by ClinVar (database versions not stated): ESP Exome Variant Server 0.01076; gnomAD exomes 0.02791; gnomAD 0.03306; TOPMed 0.03731; ExAC 0.05693; 1000 Genomes Project 30x 0.09229; 1000 Genomes Project 0.09425.
gnomAD v4.1: 45,935 of 1,613,924 alleles (2.8%); highest among the groups gnomAD compares: East Asian, 27%; 3,282 homozygotes.

Submission:

PreventionGenetics, part of Exact Sciences
Classification: Benign for PLXND1-related condition. Last evaluated: 2019-04-16. Review status: no assertion criteria provided. Collection method: clinical testing. Allele origin: germline.
Comment: This variant is classified as benign based on ACMG/AMP sequence variant interpretation guidelines (Richards et al. 2015 PMID: 25741868, with internal and published modifications).

NM_015103.3(PLXND1):c.3396C>T (p.Asn1132=)

Gene: PLXND1 (plexin D1; minus strand). Cytogenetic location: 3q22.1.
Variant type: single nucleotide variant.
Coding change: c.3396C>T on transcript NM_015103.3 (MANE Select); coding-DNA position 3396, C replaced by T.
Protein change: p.Asn1132=; no amino-acid change (asparagine 1132 retained).
Molecular consequence: synonymous variant.
Genome position (GRCh38, 1-based): chr3:129,571,244, G>A on the plus strand (C>T on the coding strand, the complement: PLXND1 is on the minus strand). VCF-style: chr3-129571244-G-A. GRCh37 (hg19) VCF-style: chr3-129290087-G-A.
Identifiers: ClinVar variation 3059112 (VCV003059112.2), dbSNP rs2285366, ClinGen allele CA2608595.